The following is an entry in ClinVar:

NM_206933.4(USH2A):c.9897dup (p.Val3300fs)

Gene: USH2A (usherin; minus strand). Cytogenetic location: 1q41.
Variant type: Duplication.
Coding change: c.9897dup on transcript NM_206933.4 (MANE Select); coding-DNA position 9897, one base duplicated (T; older notation c.9897dupT).
Protein change: p.Val3300fs; shifts the reading frame from valine 3300.
Molecular consequence: frameshift variant.
Genome position (GRCh38, 1-based): chr1:215,798,968, A duplicated on the plus strand (T on the coding strand, the reverse complement: USH2A is on the minus strand); the first of 2 consecutive A bases (chr1:215,798,968-215,798,969); duplicating either gives the same sequence. VCF-style (leftmost placement, unchanged base first): chr1-215798967-C-CA. GRCh37 (hg19) VCF-style: chr1-215972309-C-CA.
Other names: short protein forms V3300fs.
Identifiers: ClinVar variation 4715800 (VCV004715800.1).
Genomic context (GRCh38, chr1:215,798,967, plus strand): 5'-CTGGAAGGCGATTGTACACCACTCCTTCTTCTCCACCACAACACTCTAAATCGTTGCTCA[C>CA]AATCTGTCTGCCACAGCACTTCTGGCCATGGCCATCATGAAGCCTCCCAGCACAGCAAAT-3'

ClinVar aggregate classification (germline): Pathogenic (1 of 4 stars; one submission).

Submission:

Labcorp Genetics (formerly Invitae), Labcorp
Classification: Pathogenic. Last evaluated: 2025-03-24. Review status: criteria provided, single submitter. Criteria: Invitae Variant Classification Sherloc (09022015). Collection method: clinical testing. Allele origin: germline.
Comment: This sequence change creates a premature translational stop signal (p.Val3300Cysfs*46) in the USH2A gene. It is expected to result in an absent or disrupted protein product. Loss-of-function variants in USH2A are known to be pathogenic (PMID: 10729113, 10909849, 20507924, 25649381). This variant is not present in population databases (gnomAD no frequency). This variant has not been reported in the literature in individuals affected with USH2A-related conditions. For these reasons, this variant has been classified as Pathogenic.

Literature cited by the submitters: PubMed 10729113; PubMed 10909849; PubMed 20507924; PubMed 25649381.